The following is an entry in ClinVar:

ClinVar aggregate classification (germline): Uncertain significance (1 of 4 stars; one submission).

Conditions:
Fanconi anemia (FA). Also called: Fanconi's anemia. Identifiers: Orphanet 84, MedGen C0015625, MeSH D005199, MONDO:0019391.

Submission:

Labcorp Genetics (formerly Invitae), Labcorp
Classification: Uncertain significance for Fanconi anemia. Last evaluated: 2025-11-17. Review status: criteria provided, single submitter. Criteria: Invitae Variant Classification Sherloc (09022015). Collection method: clinical testing. Allele origin: germline.
Comment: This sequence change replaces valine, which is neutral and non-polar, with isoleucine, which is neutral and non-polar, at codon 174 of the FANCI protein (p.Val174Ile). This variant is not present in population databases (gnomAD no frequency). This variant has not been reported in the literature in individuals affected with FANCI-related conditions. ClinVar contains an entry for this variant (Variation ID: 3680501). Invitae Evidence Modeling of protein sequence and biophysical properties (such as structural, functional, and spatial information, amino acid conservation, physicochemical variation, residue mobility, and thermodynamic stability) indicates that this missense variant is not expected to disrupt FANCI protein function with a negative predictive value of 80%. In summary, the available evidence is currently insufficient to determine the role of this variant in disease. Therefore, it has been classified as a Variant of Uncertain Significance.

NM_001113378.2(FANCI):c.520G>A (p.Val174Ile)

Gene: FANCI (FA complementation group I; plus strand). Cytogenetic location: 15q26.1.
Variant type: single nucleotide variant.
Coding change: c.520G>A on transcript NM_001113378.2 (MANE Select); coding-DNA position 520, G replaced by A.
Protein change: p.Val174Ile; replaces valine 174 with isoleucine.
Molecular consequence: missense variant.
Genome position (GRCh38, 1-based): chr15:89,263,435, G>A. VCF-style: chr15-89263435-G-A. GRCh37 (hg19) VCF-style: chr15-89806666-G-A.
Other names: c.241G>A, p.Val81Ile (NM_001376910.1); c.520G>A, p.Val174Ile (NM_001376911.1, NM_018193.3); short protein forms V174I, V81I.
Identifiers: ClinVar variation 3680501 (VCV003680501.2).